The following is an entry in ClinVar:

NM_006231.4(POLE):c.5855A>G (p.Asn1952Ser)

Gene: POLE (DNA polymerase epsilon, catalytic subunit; minus strand). Cytogenetic location: 12q24.33.
Variant type: single nucleotide variant.
Coding change: c.5855A>G on transcript NM_006231.4 (MANE Select); coding-DNA position 5855, A replaced by G.
Protein change: p.Asn1952Ser; replaces asparagine 1952 with serine.
Molecular consequence: missense variant.
Genome position (GRCh38, 1-based): chr12:132,634,335, T>C on the plus strand (A>G on the coding strand, the complement: POLE is on the minus strand). VCF-style: chr12-132634335-T-C. GRCh37 (hg19) VCF-style: chr12-133210921-T-C.
Other names: short protein forms N1952S.
Identifiers: ClinVar variation 2562913 (VCV002562913.4), dbSNP rs1268315584, ClinGen allele CA387371771.

ClinVar aggregate classification (germline): Uncertain significance. Review status: criteria provided, multiple submitters, no conflicts (2 of 4 stars). 2 submissions from 2 submitters: Uncertain significance (2). Last evaluated 2025-10-16.

Conditions:
Hereditary cancer-predisposing syndrome. Also called: Neoplastic Syndromes, Hereditary; Hereditary Cancer Syndrome; Hereditary neoplastic syndrome; Tumor predisposition. Identifiers: Orphanet 140162, MedGen C0027672, MeSH D009386, MONDO:0015356.

Allele frequency attached by ClinVar (database versions not stated): gnomAD exomes below 0.00001.
gnomAD v4.1: 1 of 1,614,030 alleles (0.000062%); highest among the groups gnomAD compares: Non-Finnish European, 0.000085%; no homozygotes.

Submissions (2):

Ambry Genetics
Classification: Uncertain significance for Hereditary cancer-predisposing syndrome. Last evaluated: 2025-10-16. Review status: criteria provided, single submitter. Criteria: Ambry Variant Classification Scheme 2023. Collection method: clinical testing. Allele origin: germline.
Comment: The p.N1952S variant (also known as c.5855A>G), located in coding exon 43 of the POLE gene, results from an A to G substitution at nucleotide position 5855. The asparagine at codon 1952 is replaced by serine, an amino acid with highly similar properties. This amino acid position is conserved. In addition, this alteration is predicted to be tolerated by in silico analysis. Since supporting evidence is limited at this time, the clinical significance of this alteration remains unclear.

Labcorp Genetics (formerly Invitae), Labcorp
Classification: Uncertain significance. Last evaluated: 2025-09-11. Review status: criteria provided, single submitter. Criteria: Invitae Variant Classification Sherloc (09022015). Collection method: clinical testing. Allele origin: germline.
Comment: This sequence change replaces asparagine, which is neutral and polar, with serine, which is neutral and polar, at codon 1952 of the POLE protein (p.Asn1952Ser). This variant is present in population databases (no rsID available, gnomAD 0.0009%). This variant has not been reported in the literature in individuals affected with POLE-related conditions. ClinVar contains an entry for this variant (Variation ID: 2562913). An algorithm developed to predict the effect of missense changes on protein structure and function outputs the following: PolyPhen-2: "Benign". The serine amino acid residue is found in multiple mammalian species, which suggests that this missense change does not adversely affect protein function. In summary, the available evidence is currently insufficient to determine the role of this variant in disease. Therefore, it has been classified as a Variant of Uncertain Significance.